The following is an entry in ClinVar:

ClinVar aggregate classification (germline): Benign (1 of 4 stars; one submission).

Conditions:
DICER1-related tumor predisposition. Also called: DICER1-related pleuropulmonary blastoma cancer predisposition syndrome; DICER1 syndrome. Identifiers: Orphanet 284343, MedGen C3839822, MONDO:0100216.

Allele frequency attached by ClinVar (database versions not stated): 1000 Genomes Project 0.00260; TOPMed 0.00283; 1000 Genomes Project 30x 0.00297; gnomAD exomes 0.00348; gnomAD 0.00385 and 0.00419.
gnomAD v4.1: 906 of 233,206 alleles (0.39%); highest among the groups gnomAD compares: South Asian, 1.5%; 6 homozygotes.

Submission:

Illumina Laboratory Services, Illumina
Classification: Benign for Pleuropulmonary blastoma. Last evaluated: 2018-01-12. Review status: criteria provided, single submitter. Criteria: ICSL Variant Classification Criteria 13 December 2019. Collection method: clinical testing. Allele origin: germline.
Comment: This variant was observed in the ICSL laboratory as part of a predisposition screen in an ostensibly healthy population. It had not been previously curated by ICSL or reported in the Human Gene Mutation Database (HGMD: prior to June 1st, 2018), and was therefore a candidate for classification through an automated scoring system. Utilizing variant allele frequency, disease prevalence and penetrance estimates, and inheritance mode, an automated score was calculated to assess if this variant is too frequent to cause the disease. Based on the score and internal cut-off values, a variant classified as benign is not then subjected to further curation. The score for this variant resulted in a classification of benign for this disease.

NM_177438.3(DICER1):c.*3886C>T

Gene: DICER1 (dicer 1, ribonuclease III; minus strand). Cytogenetic location: 14q32.13.
Variant type: single nucleotide variant.
Coding change: c.*3886C>T on transcript NM_177438.3 (MANE Select); 3886 bases downstream of the stop codon, C replaced by T.
Molecular consequence: 3 prime UTR variant.
Genome position (GRCh38, 1-based): chr14:95,086,612, G>A on the plus strand (C>T on the coding strand, the complement: DICER1 is on the minus strand). VCF-style: chr14-95086612-G-A. GRCh37 (hg19) VCF-style: chr14-95552949-G-A.
Other names: c.*4002C>T (NM_001195573.1); c.*3886C>T (NM_001271282.3, NM_001291628.2, NM_030621.4).
Identifiers: ClinVar variation 315047 (VCV000315047.6), dbSNP rs11556997, ClinGen allele CA10641367.